The following is an entry in ClinVar:

ClinVar aggregate classification (germline): Uncertain significance (1 of 4 stars; one submission).

Submission:

GeneDx
Classification: Uncertain significance. Last evaluated: 2024-05-23. Review status: criteria provided, single submitter. Criteria: GeneDx Variant Classification Process June 2021. Collection method: clinical testing. Allele origin: germline. Affected: yes.
Comment: Not observed at significant frequency in large population cohorts (gnomAD); In silico analysis supports that this missense variant has a deleterious effect on protein structure/function; Has not been previously published as pathogenic or benign to our knowledge

NM_032188.3(KAT8):c.493G>A (p.Ala165Thr)

Gene: KAT8 (lysine acetyltransferase 8; plus strand). Cytogenetic location: 16p11.2.
Variant type: single nucleotide variant.
Coding change: c.493G>A on transcript NM_032188.3 (MANE Select); coding-DNA position 493, G replaced by A.
Protein change: p.Ala165Thr; replaces alanine 165 with threonine.
Molecular consequence: missense variant.
Genome position (GRCh38, 1-based): chr16:31,127,065, G>A. VCF-style: chr16-31127065-G-A. GRCh37 (hg19) VCF-style: chr16-31138386-G-A.
Other names: c.493G>A, p.Ala165Thr (NM_182958.4); short protein forms A165T.
Identifiers: ClinVar variation 3381295 (VCV003381295.1).